The following is an entry in ClinVar:

ClinVar aggregate classification (germline): Pathogenic (1 of 4 stars; one submission).

Conditions:
X-linked Alport syndrome (ATS1). Also called: NEPHROPATHY AND DEAFNESS, X-LINKED; COL4A5-Related Nephropathy. Identifiers: Orphanet 63, Orphanet 88917, MedGen C4746986, MONDO:0010520, OMIM 301050.

Submission:

Centre de Génétique Humaine, Institut de Pathologie Et de Génétique
Classification: Pathogenic for X-linked Alport syndrome. Last evaluated: 2026-06-10. Review status: criteria provided, single submitter. Criteria: ACMG Guidelines, 2015. Collection method: clinical testing. Allele origin: maternal, paternal, germline. Inheritance: X-linked dominant inheritance. Affected: yes. Observed: 4 variant alleles, 2 heterozygotes, 2 hemizygotes. Clinical features observed: Microscopic hematuria (HP:0002907), Severe albuminuria (HP:0033066), Stage 5 chronic kidney disease (HP:0003774), Sensorineural hearing loss disorder (HP:0000407), Stage 2 chronic kidney disease (HP:0012624), Cataract (HP:0000518), Macroscopic hematuria (HP:0012587), Moderate albuminuria (HP:0012594), Stage 3 chronic kidney disease (HP:0012625). Segregation with disease observed.
Comment: This 1bp deletion is a frameshift variant predicted to result in protein truncation or nonsense mediated decay in a gene for which loss-of-function is a known mechanism of disease (PVS1). This variant is rare: absent in gnomAD v4.1.0 database (PM2). Described as disease causing in a family with X-linked AS (PP5)

NM_033380.3(COL4A5):c.3647del (p.Pro1216fs)

Gene: COL4A5 (collagen type IV alpha 5 chain; plus strand). Cytogenetic location: Xq22.3.
Variant type: Deletion.
Coding change: c.3647del on transcript NM_033380.3 (MANE Select); coding-DNA position 3647, one base deleted (C; older notation c.3647delC).
Protein change: p.Pro1216fs; shifts the reading frame from proline 1216.
Molecular consequence: frameshift variant.
Genome position (GRCh38, 1-based): chrX:108,668,361, C deleted; the last of 2 consecutive C bases (chrX:108,668,360-108,668,361); deleting either gives the same sequence. VCF-style (leftmost placement, unchanged base first): chrX-108668359-TC-T. GRCh37 (hg19) VCF-style: chrX-107911589-TC-T.
Other names: p.(Pro1216Leufs*83); c.3647del, p.Pro1216fs (NM_000495.5); short protein forms P1216fs.
Identifiers: ClinVar variation 5042002 (VCV005042002.1), dbSNP rs104886249.